The following is an entry in ClinVar:

ClinVar aggregate classification (germline): Uncertain significance (1 of 4 stars; one submission).

Allele frequency attached by ClinVar (database versions not stated): gnomAD exomes below 0.00001; TOPMed below 0.00001.
gnomAD v4.1: 1 of 1,463,518 alleles (0.000068%); highest among the groups gnomAD compares: East Asian, 0.003%; no homozygotes.

Submission:

Labcorp Genetics (formerly Invitae), Labcorp
Classification: Uncertain significance. Last evaluated: 2025-03-17. Review status: criteria provided, single submitter. Criteria: Invitae Variant Classification Sherloc (09022015). Collection method: clinical testing. Allele origin: germline.
Comment: This sequence change replaces tyrosine, which is neutral and polar, with histidine, which is basic and polar, at codon 35 of the REEP6 protein (p.Tyr35His). This variant is not present in population databases (gnomAD no frequency). This variant has not been reported in the literature in individuals affected with REEP6-related conditions. ClinVar contains an entry for this variant (Variation ID: 2013123). Experimental studies and prediction algorithms are not available or were not evaluated, and the functional significance of this variant is currently unknown. In summary, the available evidence is currently insufficient to determine the role of this variant in disease. Therefore, it has been classified as a Variant of Uncertain Significance.

NM_138393.4(REEP6):c.103T>C (p.Tyr35His)

Genes: REEP6 (receptor accessory protein 6; plus strand), LOC130062963 (ATAC-STARR-seq lymphoblastoid silent region 9724; plus strand). Cytogenetic location: 19p13.3.
Variant type: single nucleotide variant.
Coding change: c.103T>C on transcript NM_138393.4 (MANE Select); coding-DNA position 103, T replaced by C.
Protein change: p.Tyr35His; replaces tyrosine 35 with histidine.
Molecular consequence: missense variant.
Genome position (GRCh38, 1-based): chr19:1,491,372, T>C. VCF-style: chr19-1491372-T-C. GRCh37 (hg19) VCF-style: chr19-1491371-T-C.
Other names: c.103T>C, p.Tyr35His (NM_001329556.3); short protein forms Y35H.
Identifiers: ClinVar variation 2013123 (VCV002013123.4), dbSNP rs1274829830, ClinGen allele CA403055953.
Genomic context (GRCh38, chr19:1,491,372, plus strand): 5'-AGGAACCTGGTCACCGAAGTGCTGGGGGCGCTGGAGGCCAAGACCGGGGTGGAGAAGCGG[T>C]ATCTGGCTGCAGGTGAGCCGTCGGCGCTAGCCCGTTTCGCCGACGGGCACACCGAGGCCA-3'
Protein context (NP_612402.1, residues 25-45): LEAKTGVEKR[Tyr35His]LAAGAVTLLS